The following is an entry in ClinVar:

ClinVar aggregate classification (germline): Uncertain significance. Review status: criteria provided, multiple submitters, no conflicts (2 of 4 stars). 2 submissions from 2 submitters: Uncertain significance (2). Last evaluated 2025-10-13.

Conditions:
Amyotrophic lateral sclerosis type 1 (ALS1). Also called: AMYOTROPHIC LATERAL SCLEROSIS 1, FAMILIAL. Identifiers: Orphanet 803, MedGen C1862939, MONDO:0007103, OMIM 105400.
Perry syndrome. Also called: PARKINSONISM WITH ALVEOLAR HYPOVENTILATION AND MENTAL DEPRESSION. Identifiers: Orphanet 178509, MedGen C1868594, MONDO:0008201, OMIM 168605.
Neuronopathy, distal hereditary motor, type 7B. Also called: HMN VIIB; LOWER MOTOR NEURON DISEASE, DYNACTIN TYPE; Distal Hereditary Motor Neuronopathy Type 7B (dHMN7B); NEURONOPATHY, DISTAL HEREDITARY MOTOR, AUTOSOMAL DOMINANT 14; NEURONOPATHY, DISTAL HEREDITARY MOTOR, HARDING TYPE VIIB; NEUROPATHY, DISTAL HEREDITARY MOTOR, HARDING TYPE VIIB. Identifiers: Orphanet 139589, MedGen C1843315, MONDO:0011879, OMIM 607641.
Inborn genetic diseases. Identifiers: MedGen C0950123, MeSH D030342.

Allele frequency attached by ClinVar (database versions not stated): gnomAD exomes below 0.00001; TOPMed below 0.00001; gnomAD 0.00001.
gnomAD v4.1: 3 of 1,613,946 alleles (0.00019%); highest among the groups gnomAD compares: Non-Finnish European, 0.00025%; no homozygotes.

Submissions (2):

Labcorp Genetics (formerly Invitae), Labcorp
Classification: Uncertain significance for Amyotrophic lateral sclerosis type 1; Neuronopathy, distal hereditary motor, type 7B; Perry syndrome. Last evaluated: 2025-10-13. Review status: criteria provided, single submitter. Criteria: Invitae Variant Classification Sherloc (09022015). Collection method: clinical testing. Allele origin: germline.
Comment: This sequence change replaces lysine, which is basic and polar, with glutamic acid, which is acidic and polar, at codon 1008 of the DCTN1 protein (p.Lys1008Glu). This variant is not present in population databases (gnomAD no frequency). This variant has not been reported in the literature in individuals affected with DCTN1-related conditions. ClinVar contains an entry for this variant (Variation ID: 1798929). Invitae Evidence Modeling of protein sequence and biophysical properties (such as structural, functional, and spatial information, amino acid conservation, physicochemical variation, residue mobility, and thermodynamic stability) indicates that this missense variant is not expected to disrupt DCTN1 protein function with a negative predictive value of 95%. Experimental studies have shown that this missense change does not substantially affect DCTN1 function (PMID: 23143281). In summary, the available evidence is currently insufficient to determine the role of this variant in disease. Therefore, it has been classified as a Variant of Uncertain Significance.

Ambry Genetics
Classification: Uncertain significance for Inborn genetic diseases. Last evaluated: 2021-09-07. Review status: criteria provided, single submitter. Criteria: Ambry Variant Classification Scheme 2023. Collection method: clinical testing. Allele origin: germline.
Comment: The p.K1008E variant (also known as c.3022A>G), located in coding exon 25 of the DCTN1 gene, results from an A to G substitution at nucleotide position 3022. The lysine at codon 1008 is replaced by glutamic acid, an amino acid with similar properties. This amino acid position is highly conserved in available vertebrate species. In addition, this alteration is predicted to be deleterious by in silico analysis. Since supporting evidence is limited at this time, the clinical significance of this alteration remains unclear.

Literature cited by the submitters: PubMed 23143281 (cited by Labcorp Genetics (formerly Invitae), Labcorp).

NM_004082.5(DCTN1):c.3022A>G (p.Lys1008Glu)

Gene: DCTN1 (dynactin subunit 1; minus strand). Cytogenetic location: 2p13.1.
Variant type: single nucleotide variant.
Coding change: c.3022A>G on transcript NM_004082.5 (MANE Select); coding-DNA position 3022, A replaced by G.
Protein change: p.Lys1008Glu; replaces lysine 1008 with glutamic acid.
Molecular consequence: missense variant. On other transcripts: non-coding transcript variant (1).
Genome position (GRCh38, 1-based): chr2:74,365,522, T>C on the plus strand (A>G on the coding strand, the complement: DCTN1 is on the minus strand). VCF-style: chr2-74365522-T-C. GRCh37 (hg19) VCF-style: chr2-74592649-T-C.
Other names: c.2962A>G, p.Lys988Glu (NM_001135040.3); c.2620A>G, p.Lys874Glu (NM_001135041.3, NM_023019.4); c.2911A>G, p.Lys971Glu (NM_001190836.2); c.3001A>G, p.Lys1001Glu (NM_001190837.2); c.2971A>G, p.Lys991Glu (NM_001378991.1); c.2953A>G, p.Lys985Glu (NM_001378992.1); short protein forms K1001E, K1008E, K874E, K988E, K991E, K971E, K985E.
Identifiers: ClinVar variation 1798929 (VCV001798929.4), dbSNP rs112395789, ClinGen allele CA50474762.